The following is an entry in ClinVar:

NC_000006.11:g.(?_51930764)_(52906034_?)del

Genes: CILK1 (ciliogenesis associated kinase 1; minus strand), EFHC1 (EF-hand domain containing 1; plus strand), GSTA1 (glutathione S-transferase alpha 1; minus strand), GSTA3 (glutathione S-transferase alpha 3; minus strand), GSTA4 (glutathione S-transferase alpha 4; minus strand) and 12 more. Cytogenetic location: 6p12.2-12.1.
Variant type: Deletion.
Identifiers: ClinVar variation 1042479 (VCV001042479.2).

ClinVar aggregate classification (germline): Uncertain significance (1 of 4 stars; one submission).

Submission:

Labcorp Genetics (formerly Invitae), Labcorp
Classification: Uncertain significance. Last evaluated: 2020-02-27. Review status: criteria provided, single submitter. Criteria: Invitae Variant Classification Sherloc (09022015). Collection method: clinical testing. Allele origin: germline.
Comment: A gross deletion of the genomic region encompassing the full coding sequence of the ICK gene has been identified. The boundaries of this event are unknown as the deletion extends beyond the assayed region for this gene and therefore may encompass additional genes. This variant has not been reported in the literature in individuals with ICK-related conditions. The current clinical and genetic evidence is not sufficient to establish whether loss-of-function variants in ICK cause disease. In summary, the available evidence is currently insufficient to determine the role of this variant in disease. Therefore, it has been classified as a Variant of Uncertain Significance.